The following is an entry in ClinVar:

ClinVar aggregate classification (germline): Uncertain significance (1 of 4 stars; one submission).

Conditions:
Nemaline myopathy 2 (NEM2). Also called: Nemaline myopathy 2, autosomal recessive. Identifiers: MedGen C1850569, MONDO:0009725, OMIM 256030.

gnomAD v4.1: 1 of 1,613,726 alleles (0.000062%); highest among the groups gnomAD compares: Non-Finnish European, 0.000085%; no homozygotes.

Submission:

Labcorp Genetics (formerly Invitae), Labcorp
Classification: Uncertain significance for Nemaline myopathy 2. Last evaluated: 2022-06-20. Review status: criteria provided, single submitter. Criteria: Invitae Variant Classification Sherloc (09022015). Collection method: clinical testing. Allele origin: germline.
Comment: This sequence change replaces glutamine, which is neutral and polar, with histidine, which is basic and polar, at codon 473 of the NEB protein (p.Gln473His). This variant is not present in population databases (gnomAD no frequency). This variant has not been reported in the literature in individuals affected with NEB-related conditions. Algorithms developed to predict the effect of missense changes on protein structure and function are either unavailable or do not agree on the potential impact of this missense change (SIFT: "Deleterious"; PolyPhen-2: "Not Available"; Align-GVGD: "Class C0"). In summary, the available evidence is currently insufficient to determine the role of this variant in disease. Therefore, it has been classified as a Variant of Uncertain Significance.

NM_001164508.2(NEB):c.1419G>T (p.Gln473His)

Gene: NEB (nebulin; minus strand). Cytogenetic location: 2q23.3.
Variant type: single nucleotide variant.
Coding change: c.1419G>T on transcript NM_001164508.2 (MANE Select); coding-DNA position 1419, G replaced by T.
Protein change: p.Gln473His; replaces glutamine 473 with histidine.
Molecular consequence: missense variant.
Genome position (GRCh38, 1-based): chr2:151,697,199, C>A on the plus strand (G>T on the coding strand, the complement: NEB is on the minus strand). VCF-style: chr2-151697199-C-A. GRCh37 (hg19) VCF-style: chr2-152553713-C-A.
Other names: c.1419G>T, p.Gln473His (NM_001164507.2, NM_001271208.2, NM_004543.5); short protein forms Q473H.
Identifiers: ClinVar variation 1467657 (VCV001467657.5), dbSNP rs761722604, ClinGen allele CA348825403.